The following is an entry in ClinVar:

ClinVar aggregate classification (germline): Uncertain significance (1 of 4 stars; one submission).

Conditions:
Long QT syndrome (LQTS). Identifiers: MedGen C0023976, MeSH D008133, MONDO:0002442. Disease mechanism: loss of function. Inheritance: Various modes of inheritance.

Submission:

Labcorp Genetics (formerly Invitae), Labcorp
Classification: Uncertain significance for Long QT syndrome. Last evaluated: 2024-04-25. Review status: criteria provided, single submitter. Criteria: Invitae Variant Classification Sherloc (09022015). Collection method: clinical testing. Allele origin: germline.
Comment: This sequence change replaces threonine, which is neutral and polar, with isoleucine, which is neutral and non-polar, at codon 375 of the KCNH2 protein (p.Thr375Ile). This variant is not present in population databases (gnomAD no frequency). This variant has not been reported in the literature in individuals affected with KCNH2-related conditions. An algorithm developed to predict the effect of missense changes on protein structure and function (PolyPhen-2) suggests that this variant is likely to be disruptive. In summary, the available evidence is currently insufficient to determine the role of this variant in disease. Therefore, it has been classified as a Variant of Uncertain Significance.

NM_000238.4(KCNH2):c.1124C>T (p.Thr375Ile)

Gene: KCNH2 (potassium voltage-gated channel subfamily H member 2; minus strand). Cytogenetic location: 7q36.1.
Variant type: single nucleotide variant.
Coding change: c.1124C>T on transcript NM_000238.4 (MANE Select); coding-DNA position 1124, C replaced by T.
Protein change: p.Thr375Ile; replaces threonine 375 with isoleucine.
Molecular consequence: missense variant. On other transcripts: non-coding transcript variant (1).
Genome position (GRCh38, 1-based): chr7:150,957,295, G>A on the plus strand (C>T on the coding strand, the complement: KCNH2 is on the minus strand). VCF-style: chr7-150957295-G-A. GRCh37 (hg19) VCF-style: chr7-150654383-G-A.
Other names: c.836C>T, p.Thr279Ile (NM_001406753.1, NM_001406756.1); c.947C>T, p.Thr316Ile (NM_001406755.1); c.824C>T, p.Thr275Ile (NM_001406757.1); c.1124C>T, p.Thr375Ile (NM_172056.3); short protein forms T316I, T375I, T275I, T279I.
Identifiers: ClinVar variation 3650850 (VCV003650850.2).
Genomic context (GRCh38, chr7:150,957,295, plus strand): 5'-ACCCCCTCTCCAAGCTCCTCCAAGGTGAGAGGAGAGCCCGGCCGCTGGGCGCCTACCTGG[G>A]TGACCTTCTCAGTGACATTGTGGGTTCGCTCCTTTATCTTAGGTGCTATGATCTCACGGT-3'
Protein context (NP_000229.1, residues 365-385): ERTHNVTEKV[Thr375Ile]QVLSLGADVL